The following is an entry in ClinVar:

NM_001012301.4(ARSI):c.521A>G (p.Asn174Ser)

Gene: ARSI (arylsulfatase family member I; minus strand). Cytogenetic location: 5q32.
Variant type: single nucleotide variant.
Coding change: c.521A>G on transcript NM_001012301.4 (MANE Select); coding-DNA position 521, A replaced by G.
Protein change: p.Asn174Ser; replaces asparagine 174 with serine.
Molecular consequence: missense variant.
Genome position (GRCh38, 1-based): chr5:150,298,403, T>C on the plus strand (A>G on the coding strand, the complement: ARSI is on the minus strand). VCF-style: chr5-150298403-T-C. GRCh37 (hg19) VCF-style: chr5-149677966-T-C.
Other names: short protein forms N174S.
Identifiers: ClinVar variation 3316607 (VCV003316607.2).

ClinVar aggregate classification (germline): Uncertain significance. Review status: criteria provided, multiple submitters, no conflicts (2 of 4 stars). 2 submissions from 2 submitters: Uncertain significance (2). Last evaluated 2025-11-10.

Conditions:
Spastic paraplegia. Identifiers: MedGen C0037772, HP:0001258.

Submissions (2):

Labcorp Genetics (formerly Invitae), Labcorp
Classification: Uncertain significance for Spastic paraplegia. Last evaluated: 2025-11-10. Review status: criteria provided, single submitter. Criteria: Invitae Variant Classification Sherloc (09022015). Collection method: clinical testing. Allele origin: germline.
Comment: This sequence change replaces asparagine, which is neutral and polar, with serine, which is neutral and polar, at codon 174 of the ARSI protein (p.Asn174Ser). This variant is present in population databases (rs372701083, gnomAD 0.005%). This variant has not been reported in the literature in individuals affected with ARSI-related conditions. ClinVar contains an entry for this variant (Variation ID: 3316607). An algorithm developed to predict the effect of missense changes on protein structure and function (PolyPhen-2) suggests that this variant is likely to be tolerated. In summary, the available evidence is currently insufficient to determine the role of this variant in disease. Therefore, it has been classified as a Variant of Uncertain Significance.

Ambry Genetics
Classification: Uncertain significance. Last evaluated: 2024-06-17. Review status: criteria provided, single submitter. Criteria: Ambry Variant Classification Scheme 2023. Collection method: clinical testing. Allele origin: germline.